The following is an entry in ClinVar:

ClinVar aggregate classification (germline): Uncertain significance (1 of 4 stars; one submission).

Submission:

CeGaT Center for Human Genetics Tuebingen
Classification: Uncertain significance. Last evaluated: 2023-11-01. Review status: criteria provided, single submitter. Criteria: CeGaT Center For Human Genetics Tuebingen Variant Classification Criteria Version 2. Collection method: clinical testing. Allele origin: germline. Affected: yes. Observed: 2 variant alleles.
Comment: BSN: PM2, PVS1:Supporting

NM_003458.4(BSN):c.3978dup (p.Thr1327fs)

Gene: BSN (bassoon presynaptic cytomatrix protein; plus strand). Cytogenetic location: 3p21.31.
Variant type: Duplication.
Coding change: c.3978dup on transcript NM_003458.4 (MANE Select); coding-DNA position 3978, one base duplicated (C; older notation c.3978dupC).
Protein change: p.Thr1327fs; shifts the reading frame from threonine 1327.
Molecular consequence: frameshift variant.
Genome position (GRCh38, 1-based): chr3:49,653,534, C duplicated; the last of 5 consecutive C bases (chr3:49,653,530-49,653,534); duplicating any one gives the same sequence. VCF-style (leftmost placement, unchanged base first): chr3-49653529-A-AC. GRCh37 (hg19) VCF-style: chr3-49690962-A-AC.
Other names: short protein forms T1327fs.
Identifiers: ClinVar variation 2672940 (VCV002672940.23), dbSNP rs2472904300, ClinGen allele CA2695197905.